The following is an entry in ClinVar:

ClinVar aggregate classification (germline): Uncertain significance (1 of 4 stars; one submission).

Conditions:
Nemaline myopathy 5 (NEM5A). Also called: NEMALINE MYOPATHY 5A, AUTOSOMAL RECESSIVE, SEVERE INFANTILE; Nemaline myopathy 5, Amish type; NEMALINE MYOPATHY, AMISH TYPE. Identifiers: Orphanet 98902, MedGen C1854380, MONDO:0011539, OMIM 605355.

gnomAD v4.1: 6 of 1,613,662 alleles (0.00037%); highest among the groups gnomAD compares: East Asian, 0.0067%; no homozygotes.

Submission:

Labcorp Genetics (formerly Invitae), Labcorp
Classification: Uncertain significance for Nemaline myopathy 5. Last evaluated: 2021-03-10. Review status: criteria provided, single submitter. Criteria: Invitae Variant Classification Sherloc (09022015). Collection method: clinical testing. Allele origin: germline.
Comment: In summary, the available evidence is currently insufficient to determine the role of this variant in disease. Therefore, it has been classified as a Variant of Uncertain Significance. Algorithms developed to predict the effect of missense changes on protein structure and function (SIFT, PolyPhen-2, Align-GVGD) all suggest that this variant is likely to be disruptive, but these predictions have not been confirmed by published functional studies and their clinical significance is uncertain. This variant has not been reported in the literature in individuals with TNNT1-related conditions. This variant is not present in population databases (ExAC no frequency). This sequence change replaces arginine with serine at codon 102 of the TNNT1 protein (p.Arg102Ser). The arginine residue is highly conserved and there is a moderate physicochemical difference between arginine and serine.

NM_003283.6(TNNT1):c.304C>A (p.Arg102Ser)

Gene: TNNT1 (troponin T1, slow skeletal type; minus strand). Cytogenetic location: 19q13.42.
Variant type: single nucleotide variant.
Coding change: c.304C>A on transcript NM_003283.6 (MANE Select); coding-DNA position 304, C replaced by A.
Protein change: p.Arg102Ser; replaces arginine 102 with serine.
Molecular consequence: missense variant.
Genome position (GRCh38, 1-based): chr19:55,141,191, G>T on the plus strand (C>A on the coding strand, the complement: TNNT1 is on the minus strand). VCF-style: chr19-55141191-G-T. GRCh37 (hg19) VCF-style: chr19-55652559-G-T.
Other names: c.304C>A, p.Arg102Ser (NM_001126132.3); c.271C>A, p.Arg91Ser (NM_001126133.3, NM_001291774.2); short protein forms R102S, R91S.
Identifiers: ClinVar variation 1492125 (VCV001492125.8), dbSNP rs774855200, ClinGen allele CA407435175.